The following is an entry in ClinVar:

NM_001365999.1(SZT2):c.7307C>T (p.Pro2436Leu)

Gene: SZT2 (SZT2 subunit of KICSTOR complex; plus strand). Cytogenetic location: 1p34.2.
Variant type: single nucleotide variant.
Coding change: c.7307C>T on transcript NM_001365999.1 (MANE Select); coding-DNA position 7307, C replaced by T.
Protein change: p.Pro2436Leu; replaces proline 2436 with leucine.
Molecular consequence: missense variant.
Genome position (GRCh38, 1-based): chr1:43,440,549, C>T. VCF-style: chr1-43440549-C-T. GRCh37 (hg19) VCF-style: chr1-43906220-C-T.
Other names: c.7136C>T, p.Pro2379Leu (NM_015284.4); c.7136C>T (NM_015284.3); short protein forms P2436L, P2379L.
Identifiers: ClinVar variation 3715674 (VCV003715674.3).

ClinVar aggregate classification (germline): Uncertain significance. Review status: criteria provided, multiple submitters, no conflicts (2 of 4 stars). 2 submissions from 2 submitters: Uncertain significance (2). Last evaluated 2026-04-19.

gnomAD v4.1: 4 of 1,607,534 alleles (0.00025%); highest among the groups gnomAD compares: African/African-American, 0.0054%; no homozygotes.

Submissions (2):

GeneDx
Classification: Uncertain significance. Last evaluated: 2026-04-19. Review status: criteria provided, single submitter. Criteria: GeneDx Variant Classification Process June 2021. Collection method: clinical testing. Allele origin: germline.
Comment: Not observed at significant frequency in large population cohorts (gnomAD); In silico analysis suggests that this missense variant does not alter protein structure/function; Has not been previously published as pathogenic or benign to our knowledge

Labcorp Genetics (formerly Invitae), Labcorp
Classification: Uncertain significance. Last evaluated: 2024-06-08. Review status: criteria provided, single submitter. Criteria: Invitae Variant Classification Sherloc (09022015). Collection method: clinical testing. Allele origin: germline.
Comment: This sequence change replaces proline, which is neutral and non-polar, with leucine, which is neutral and non-polar, at codon 2379 of the SZT2 protein (p.Pro2379Leu). This variant is not present in population databases (gnomAD no frequency). This variant has not been reported in the literature in individuals affected with SZT2-related conditions. Advanced modeling of protein sequence and biophysical properties (such as structural, functional, and spatial information, amino acid conservation, physicochemical variation, residue mobility, and thermodynamic stability) performed at Invitae indicates that this missense variant is not expected to disrupt SZT2 protein function with a negative predictive value of 80%. In summary, the available evidence is currently insufficient to determine the role of this variant in disease. Therefore, it has been classified as a Variant of Uncertain Significance.